The following is an entry in ClinVar:

NM_002941.4(ROBO1):c.3749C>T (p.Pro1250Leu)

Gene: ROBO1 (roundabout guidance receptor 1; minus strand). Cytogenetic location: 3p12.3.
Variant type: single nucleotide variant.
Coding change: c.3749C>T on transcript NM_002941.4 (MANE Select); coding-DNA position 3749, C replaced by T.
Protein change: p.Pro1250Leu; replaces proline 1250 with leucine.
Molecular consequence: missense variant.
Genome position (GRCh38, 1-based): chr3:78,627,447, G>A on the plus strand (C>T on the coding strand, the complement: ROBO1 is on the minus strand). VCF-style: chr3-78627447-G-A. GRCh37 (hg19) VCF-style: chr3-78676597-G-A.
Other names: c.3449C>T, p.Pro1150Leu (NM_001145845.2); c.3614C>T, p.Pro1205Leu (NM_133631.4); short protein forms P1150L, P1205L, P1250L.
Identifiers: ClinVar variation 3684380 (VCV003684380.2).

ClinVar aggregate classification (germline): Uncertain significance (1 of 4 stars; one submission).

Submission:

Labcorp Genetics (formerly Invitae), Labcorp
Classification: Uncertain significance. Last evaluated: 2025-07-25. Review status: criteria provided, single submitter. Criteria: Invitae Variant Classification Sherloc (09022015). Collection method: clinical testing. Allele origin: germline.
Comment: This sequence change replaces proline, which is neutral and non-polar, with leucine, which is neutral and non-polar, at codon 1250 of the ROBO1 protein (p.Pro1250Leu). This variant is not present in population databases (gnomAD no frequency). This variant has not been reported in the literature in individuals affected with ROBO1-related conditions. ClinVar contains an entry for this variant (Variation ID: 3684380). An algorithm developed to predict the effect of missense changes on protein structure and function (PolyPhen-2) suggests that this variant is likely to be disruptive. In summary, the available evidence is currently insufficient to determine the role of this variant in disease. Therefore, it has been classified as a Variant of Uncertain Significance.